The following is an entry in ClinVar:

ClinVar aggregate classification (germline): Benign/Likely benign. Review status: criteria provided, multiple submitters, no conflicts (2 of 4 stars). 9 submissions from 9 submitters: Benign (5); Likely benign (2). 2 of the submissions do not count toward it. Last evaluated 2024-11-20.

Conditions:
Hereditary cancer-predisposing syndrome. Also called: Tumor predisposition; Hereditary neoplastic syndrome; Hereditary Cancer Syndrome; Neoplastic Syndromes, Hereditary. Identifiers: Orphanet 140162, MedGen C0027672, MeSH D009386, MONDO:0015356.
Fanconi anemia (FA). Also called: Fanconi's anemia. Identifiers: Orphanet 84, MedGen C0015625, MeSH D005199, MONDO:0019391.
Fanconi anemia complementation group C (FANCC). Also called: Fanconi anemia, group C; FANCC-Related Fanconi Anemia; FANCONI PANCYTOPENIA, TYPE 3; FACC. Identifiers: Orphanet 84, MedGen C3468041, MONDO:0009213, OMIM 227645.
Malignant tumor of breast. Also called: Cancer breast; Malignant breast neoplasm. Identifiers: MedGen C0006142, MONDO:0007254. Disease mechanism: loss of function.

Allele frequency attached by ClinVar (database versions not stated): ESP Exome Variant Server 0.00008; gnomAD 0.00033 and 0.00050; TOPMed 0.00047; gnomAD exomes 0.00070 and 0.00097; ExAC 0.00117; 1000 Genomes Project 0.00140; 1000 Genomes Project 30x 0.00156.
gnomAD v4.1: 1,085 of 1,613,762 alleles (0.067%); highest among the groups gnomAD compares: East Asian, 2.1%; 16 homozygotes.

Submissions (9):

Blueprint Genetics
Classification: Likely benign. Last evaluated: 2024-11-20. Review status: criteria provided, single submitter. Criteria: ACMG Guidelines, 2015. Collection method: clinical testing. Allele origin: germline.

CeGaT Center for Human Genetics Tuebingen
Classification: Benign. Last evaluated: 2024-03-01. Review status: criteria provided, single submitter. Criteria: CeGaT Center For Human Genetics Tuebingen Variant Classification Criteria Version 2. Collection method: clinical testing. Allele origin: germline. Affected: yes. Observed: 3 variant alleles.
Comment: FANCC: BS1, BS2

Genetic Services Laboratory, University of Chicago
Classification: Benign. Last evaluated: 2021-03-24. Review status: criteria provided, single submitter. Criteria: ACMG Guidelines, 2015. Collection method: clinical testing. Allele origin: germline. Affected: no.

Illumina Laboratory Services, Illumina
Classification: Likely benign for Fanconi anemia complementation group C. Last evaluated: 2017-04-27. Review status: criteria provided, single submitter. Criteria: ICSL Variant Classification Criteria 13 December 2019. Collection method: clinical testing. Allele origin: germline.
Comment: This variant was observed as part of a predisposition screen in an ostensibly healthy population. A literature search was performed for the gene, cDNA change, and amino acid change (where applicable). No publications were found based on this search. Allele frequency data from public databases allowed determination this variant is unlikely to cause disease. Therefore, this variant is classified as likely benign.

Ambry Genetics
Classification: Benign for Hereditary cancer-predisposing syndrome. Last evaluated: 2017-01-04. Review status: criteria provided, single submitter. Criteria: Ambry Variant Classification Scheme 2023. Collection method: clinical testing. Allele origin: germline.

Labcorp Genetics (formerly Invitae), Labcorp
Classification: Benign for Fanconi anemia. Last evaluated: 2015-09-16. Review status: criteria provided, single submitter. Criteria: Invitae Variant Classification Sherloc (09022015). Collection method: clinical testing. Allele origin: germline.

GeneDx
Classification: Benign. Last evaluated: 2014-02-24. Review status: criteria provided, single submitter. Criteria: GeneDx Variant Classification (06012015). Collection method: clinical testing. Allele origin: germline. Affected: yes.
Comment: This variant is considered likely benign or benign based on one or more of the following criteria: it is a conservative change, it occurs at a poorly conserved position in the protein, it is predicted to be benign by multiple in silico algorithms, and/or has population frequency not consistent with disease.

Natera, Inc.
Classification: Benign for Fanconi anemia. Last evaluated: 2019-05-20. Review status: no assertion criteria provided. Collection method: clinical testing. Allele origin: germline. Not counted in ClinVar's aggregate classification.

Department of Pathology and Laboratory Medicine, Sinai Health System
Classification: Benign for Malignant tumor of breast. Review status: no assertion criteria provided. Collection method: clinical testing. Allele origin: unknown. Affected: yes. Study: The Canadian Open Genetics Repository (COGR). Not counted in ClinVar's aggregate classification.
Comment: The FANCC c.*5C>T variant was not identified in the literature nor was it identified in the LOVD 3.0 database. The variant was identified in dbSNP (ID: rs117175949) as "With Benign allele" and ClinVar (classified as benign by Invitae, GeneDx, and Ambry Genetics). The variant was identified in control databases in 256 of 276794 chromosomes (2 homozygous) at a frequency of 0.0009 (Genome Aggregation Database Feb 27, 2017). The variant was observed in the following populations: East Asian in 225 of 18854 chromosomes (freq: 0.01, increasing the likelihood this could be a low frequency benign variant), Other in 2 of 6464 chromosomes (freq: 0.0003), Latino in 1 of 34408 chromosomes (freq: 0.00003), European in 9 of 126516 chromosomes (freq: 0.00007), and South Asian in 19 of 30746 chromosomes (freq: 0.0006); it was not observed in the African, Ashkenazi Jewish, or Finnish populations. The c.*5C>T variant is located 5 nucleotides downstream of the termination codon and 3 of 4 in silico or computational prediction software programs (SpliceSiteFinder, MaxEntScan, NNSPLICE, GeneSplicer) predict the creation of a cryptic splice site â€šÃ„Ã¬ although this finding is likely not relevant given the variant occurs downstream of the open reading frame. In summary, based on the above information, this variant meets our laboratory's criteria to be classified as benign.

NM_000136.3(FANCC):c.*5C>T

Genes: AOPEP (aminopeptidase O (putative); plus strand), FANCC (FA complementation group C; minus strand). Cytogenetic location: 9q22.32.
Variant type: single nucleotide variant.
Coding change: c.*5C>T on transcript NM_000136.3 (MANE Select); 5 bases downstream of the stop codon, C replaced by T.
Molecular consequence: 3 prime UTR variant.
Genome position (GRCh38, 1-based): chr9:95,101,702, G>A on the plus strand (C>T on the coding strand, the complement: FANCC is on the minus strand). VCF-style: chr9-95101702-G-A. GRCh37 (hg19) VCF-style: chr9-97863984-G-A.
Other names: c.*5C>T (NM_001243743.2).
Identifiers: ClinVar variation 137286 (VCV000137286.41), dbSNP rs117175949, ClinGen allele CA290835.
Genomic context (GRCh38, chr9:95,101,702, plus strand): 5'-ACCTGTCCTGTGGCCCTGGCGAGCCTGATCCCTCACGCCGGGCACCCACACGGCCTGCGT[G>A]CCTTCTAGACTTGAGTTCGCAGCTCTTTAAGGAGCTCTCGGGCCAGTTTTTCTGATCTAG-3'